The following is an entry in ClinVar:

ClinVar aggregate classification (germline): Conflicting classifications of pathogenicity. Review status: criteria provided, conflicting classifications (1 of 4 stars). 2 submissions from 2 submitters: Uncertain significance (1); Likely benign (1). Last evaluated 2024-12-20.

Conditions:
Inborn genetic diseases. Identifiers: MedGen C0950123, MeSH D030342.
Dyskeratosis congenita, autosomal recessive 5 (DKCB5). Identifiers: MedGen C3554656, MONDO:0014076, OMIM 615190.
Pulmonary fibrosis and/or bone marrow failure, Telomere-related, 3. Also called: PULMONARY FIBROSIS AND/OR BONE MARROW FAILURE SYNDROME, TELOMERE-RELATED, 3. Identifiers: Orphanet 2032, MedGen C4225346, MONDO:0014613, OMIM 616373.

Allele frequency attached by ClinVar (database versions not stated): gnomAD exomes below 0.00001.
gnomAD v4.1: 2 of 1,612,392 alleles (0.00012%); highest among the groups gnomAD compares: Non-Finnish European, 0.00017%; no homozygotes.

Submissions (2):

Ambry Genetics
Classification: Likely benign for Inborn genetic diseases. Last evaluated: 2024-12-20. Review status: criteria provided, single submitter. Criteria: Ambry Variant Classification Scheme 2023. Collection method: clinical testing. Allele origin: germline.

Labcorp Genetics (formerly Invitae), Labcorp
Classification: Uncertain significance for Dyskeratosis congenita, autosomal recessive 5; Pulmonary fibrosis and/or bone marrow failure, Telomere-related, 3. Last evaluated: 2023-08-17. Review status: criteria provided, single submitter. Criteria: Invitae Variant Classification Sherloc (09022015). Collection method: clinical testing. Allele origin: germline.
Comment: In summary, the available evidence is currently insufficient to determine the role of this variant in disease. Therefore, it has been classified as a Variant of Uncertain Significance. Algorithms developed to predict the effect of missense changes on protein structure and function output the following: SIFT: "Not Available"; PolyPhen-2: "Benign"; Align-GVGD: "Not Available". The alanine amino acid residue is found in multiple mammalian species, which suggests that this missense change does not adversely affect protein function. This variant has not been reported in the literature in individuals affected with RTEL1-related conditions. This variant is present in population databases (no rsID available, gnomAD 0.0009%). This sequence change replaces serine, which is neutral and polar, with alanine, which is neutral and non-polar, at codon 405 of the RTEL1 protein (p.Ser405Ala).

NM_001283009.2(RTEL1):c.1213T>G (p.Ser405Ala)

Genes: RTEL1 (regulator of telomere elongation helicase 1; plus strand), RTEL1-TNFRSF6B (RTEL1-TNFRSF6B readthrough (NMD candidate); plus strand). Cytogenetic location: 20q13.33.
Variant type: single nucleotide variant.
Coding change: c.1213T>G on transcript NM_001283009.2 (MANE Select); coding-DNA position 1213, T replaced by G.
Protein change: p.Ser405Ala; replaces serine 405 with alanine.
Molecular consequence: missense variant. On other transcripts: non-coding transcript variant (1).
Genome position (GRCh38, 1-based): chr20:63,685,544, T>G. VCF-style: chr20-63685544-T-G. GRCh37 (hg19) VCF-style: chr20-62316897-T-G.
Other names: c.544T>G, p.Ser182Ala (NM_001283010.1); c.1213T>G, p.Ser405Ala (NM_016434.4); c.1285T>G, p.Ser429Ala (NM_032957.5); short protein forms S182A, S405A, S429A.
Identifiers: ClinVar variation 2927542 (VCV002927542.4), dbSNP rs1369065305, ClinGen allele CA409675654.